The following is an entry in ClinVar:

ClinVar aggregate classification (germline): Uncertain significance (1 of 4 stars; one submission).

Conditions:
Cardiovascular phenotype. Identifiers: MedGen CN230736.

Allele frequency attached by ClinVar (database versions not stated): gnomAD exomes below 0.00001.
gnomAD v4.1: 1 of 1,503,502 alleles (0.000067%); highest among the groups gnomAD compares: South Asian, 0.0013%; no homozygotes.

Submission:

Ambry Genetics
Classification: Uncertain significance for Cardiovascular phenotype. Last evaluated: 2021-11-14. Review status: criteria provided, single submitter. Criteria: Ambry Variant Classification Scheme 2023. Collection method: clinical testing. Allele origin: germline.
Comment: The p.F11Y variant (also known as c.32T>A), located in coding exon 1 of the SOS2 gene, results from a T to A substitution at nucleotide position 32. The phenylalanine at codon 11 is replaced by tyrosine, an amino acid with highly similar properties. This amino acid position is conserved. In addition, the in silico prediction for this alteration is inconclusive. Since supporting evidence is limited at this time, the clinical significance of this alteration remains unclear.

NM_006939.4(SOS2):c.32T>A (p.Phe11Tyr)

Genes: SOS2 (SOS Ras/Rho guanine nucleotide exchange factor 2; minus strand), LOC130055588 (ATAC-STARR-seq lymphoblastoid silent region 5718; plus strand). Cytogenetic location: 14q21.3.
Variant type: single nucleotide variant.
Coding change: c.32T>A on transcript NM_006939.4 (MANE Select); coding-DNA position 32, T replaced by A.
Protein change: p.Phe11Tyr; replaces phenylalanine 11 with tyrosine.
Molecular consequence: missense variant.
Genome position (GRCh38, 1-based): chr14:50,231,252, A>T on the plus strand (T>A on the coding strand, the complement: SOS2 is on the minus strand). VCF-style: chr14-50231252-A-T. GRCh37 (hg19) VCF-style: chr14-50697970-A-T.
Other names: c.32T>A, p.Phe11Tyr (NM_001411020.1); short protein forms F11Y.
Identifiers: ClinVar variation 1729961 (VCV001729961.2), dbSNP rs2503347084, ClinGen allele CA389657596.
Genomic context (GRCh38, chr14:50,231,252, plus strand): 5'-CTGACCTTCCGCAGGGCCGAGACCAACAGTCCCCGCCATTTCGGACTGTTCTCCTCGCTG[A>T]AGAACTCGTAAGGCTGCGGCGCCTGCTGCATGGCCCCGGCGACAGCGCCTCCGCATCGGG-3'
Protein context (NP_008870.2, residues 1-21): MQQAPQPYEF[Phe11Tyr]SEENSPKWRG